The following is an entry in ClinVar:

ClinVar aggregate classification (germline): Conflicting classifications of pathogenicity. Review status: criteria provided, conflicting classifications (1 of 4 stars). 3 submissions from 3 submitters: Uncertain significance (2); Likely benign (1). Last evaluated 2025-01-16.

Conditions:
Hereditary cancer-predisposing syndrome. Also called: Tumor predisposition; Hereditary neoplastic syndrome; Neoplastic Syndromes, Hereditary; Hereditary Cancer Syndrome. Identifiers: Orphanet 140162, MedGen C0027672, MeSH D009386, MONDO:0015356.
Hereditary breast ovarian cancer syndrome. Also called: Hereditary breast and ovarian cancer; Hereditary breast and/or ovarian cancer syndrome; Breast and ovarian cancer; BRCA1- and BRCA2-Associated Hereditary Breast and Ovarian Cancer; Hereditary breast and ovarian cancer syndrome; Hereditary breast and ovarian cancer syndrome (HBOC). Identifiers: Orphanet 145, MedGen C0677776, MeSH D061325, MONDO:0003582. Disease mechanism: loss of function.

Submissions (3):

Labcorp Genetics (formerly Invitae), Labcorp
Classification: Uncertain significance for Hereditary breast ovarian cancer syndrome. Last evaluated: 2025-01-16. Review status: criteria provided, single submitter. Criteria: Invitae Variant Classification Sherloc (09022015). Collection method: clinical testing. Allele origin: germline.
Comment: This sequence change replaces methionine, which is neutral and non-polar, with valine, which is neutral and non-polar, at codon 658 of the BRCA1 protein (p.Met658Val). This variant is not present in population databases (gnomAD no frequency). This variant has not been reported in the literature in individuals affected with BRCA1-related conditions. ClinVar contains an entry for this variant (Variation ID: 1946625). Invitae Evidence Modeling of protein sequence and biophysical properties (such as structural, functional, and spatial information, amino acid conservation, physicochemical variation, residue mobility, and thermodynamic stability) indicates that this missense variant is not expected to disrupt BRCA1 protein function with a negative predictive value of 80%. In summary, the available evidence is currently insufficient to determine the role of this variant in disease. Therefore, it has been classified as a Variant of Uncertain Significance.

Ambry Genetics
Classification: Uncertain significance for Hereditary cancer-predisposing syndrome. Last evaluated: 2024-10-19. Review status: criteria provided, single submitter. Criteria: Ambry Variant Classification Scheme 2023. Collection method: clinical testing. Allele origin: germline.
Comment: The p.M658V variant (also known as c.1972A>G), located in coding exon 9 of the BRCA1 gene, results from an A to G substitution at nucleotide position 1972. The methionine at codon 658 is replaced by valine, an amino acid with highly similar properties. This amino acid position is conserved. In addition, this alteration is predicted to be tolerated by in silico analysis. Based on the available evidence, the clinical significance of this variant remains unclear.

University of Washington Department of Laboratory Medicine, University of Washington
Classification: Likely benign for Hereditary cancer-predisposing syndrome. Last evaluated: 2023-03-23. Review status: criteria provided, single submitter. Criteria: Dines et al. (Genet Med. 2020). Collection method: curation. Allele origin: germline.
Comment: Missense variant in a coldspot region where missense variants are very unlikely to be pathogenic (PMID:31911673).

BRCA1 coldspot (exon 11 using historical exon numbering). Reclassification based on statistical prior probability

NM_007294.4(BRCA1):c.1972A>G (p.Met658Val)

Gene: BRCA1 (BRCA1 DNA repair associated; minus strand). Cytogenetic location: 17q21.31.
Variant type: single nucleotide variant.
Coding change: c.1972A>G on transcript NM_007294.4 (MANE Select); coding-DNA position 1972, A replaced by G.
Protein change: p.Met658Val; replaces methionine 658 with valine.
Molecular consequence: missense variant. On other transcripts: intron variant (137).
Genome position (GRCh38, 1-based): chr17:43,093,559, T>C on the plus strand (A>G on the coding strand, the complement: BRCA1 is on the minus strand). VCF-style: chr17-43093559-T-C. GRCh37 (hg19) VCF-style: chr17-41245576-T-C.
Other names: c.1762A>G, p.Met588Val (NM_001407904.1, NM_001407906.1, NM_001407907.1 and 13 more transcripts); c.1759A>G, p.Met587Val (NM_001407898.1, NM_001407899.1, NM_001407894.1 and 9 more transcripts); c.1708A>G, p.Met570Val (NM_001407935.1, NM_001407920.1, NM_001407921.1 and 9 more transcripts); c.1705A>G, p.Met569Val (NM_001407936.1, NM_001407930.1, NM_001407931.1 and 2 more transcripts); c.1849A>G, p.Met617Val (NM_001407937.1, NM_001407919.1, NM_001407938.1 and 19 more transcripts); c.1846A>G, p.Met616Val (NM_001407940.1, NM_001407941.1, NM_001407649.1 and 11 more transcripts); c.1831A>G, p.Met611Val (NM_001407942.1, NM_001407944.1, NM_001407945.1 and 29 more transcripts); c.1828A>G, p.Met610Val (NM_001407943.1, NM_001407964.1, NM_001407740.1 and 20 more transcripts); and 40 more; short protein forms M362V, M546V, M570V, M490V, M591V, M610V, M616V, M617V.
Identifiers: ClinVar variation 1946625 (VCV001946625.8), dbSNP rs55932871, ClinGen allele CA10598072.